The following is an entry in ClinVar:

ClinVar aggregate classification (germline): Conflicting classifications of pathogenicity. Review status: criteria provided, conflicting classifications (1 of 4 stars). 3 submissions from 3 submitters: Uncertain significance (2); Likely benign (1). Last evaluated 2026-01-11.

Conditions:
Familial thoracic aortic aneurysm and aortic dissection (TAAD). Also called: Thoracic aortic aneurysms and dissections. Identifiers: Orphanet 91387, MedGen C4707243, MONDO:0019625.
Adams-Oliver syndrome 5 (AOS5). Identifiers: Orphanet 974, MedGen C4014970, MONDO:0014459, OMIM 616028.

Allele frequency attached by ClinVar (database versions not stated): gnomAD 0.00001 and 0.00002; gnomAD exomes 0.00002; TOPMed 0.00003; ExAC 0.00005.
gnomAD v4.1: 33 of 1,561,828 alleles (0.0021%); highest among the groups gnomAD compares: East Asian, 0.0048%; no homozygotes.

Submissions (3):

Labcorp Genetics (formerly Invitae), Labcorp
Classification: Likely benign for Adams-Oliver syndrome 5. Last evaluated: 2026-01-11. Review status: criteria provided, single submitter. Criteria: Invitae Variant Classification Sherloc (09022015). Collection method: clinical testing. Allele origin: germline.

GeneDx
Classification: Uncertain significance. Last evaluated: 2023-06-09. Review status: criteria provided, single submitter. Criteria: GeneDx Variant Classification Process June 2021. Collection method: clinical testing. Allele origin: germline. Affected: yes.
Comment: Not observed at significant frequency in large population cohorts (gnomAD); In silico analysis supports that this missense variant has a deleterious effect on protein structure/function; Has not been previously published as pathogenic or benign to our knowledge

Ambry Genetics
Classification: Uncertain significance for Familial thoracic aortic aneurysm and aortic dissection. Last evaluated: 2023-03-29. Review status: criteria provided, single submitter. Criteria: Ambry Variant Classification Scheme 2023. Collection method: clinical testing. Allele origin: germline.

NM_017617.5(NOTCH1):c.3034G>A (p.Gly1012Ser)

Gene: NOTCH1 (notch receptor 1; minus strand). Cytogenetic location: 9q34.3.
Variant type: single nucleotide variant.
Coding change: c.3034G>A on transcript NM_017617.5 (MANE Select); coding-DNA position 3034, G replaced by A.
Protein change: p.Gly1012Ser; replaces glycine 1012 with serine.
Molecular consequence: missense variant.
Genome position (GRCh38, 1-based): chr9:136,509,007, C>T on the plus strand (G>A on the coding strand, the complement: NOTCH1 is on the minus strand). VCF-style: chr9-136509007-C-T. GRCh37 (hg19) VCF-style: chr9-139403459-C-T.
Other names: c.3034G>A, p.Gly1012Ser (LRG_1122t1); short protein forms G1012S.
Identifiers: ClinVar variation 477909 (VCV000477909.13), dbSNP rs776957107, ClinGen allele CA5341066.